The following is an entry in ClinVar:

NM_001367871.1(FBRSL1):c.205_206insCCGCGCCGCGCGTCCCCCGCGCC (p.Arg69fs)

Gene: FBRSL1 (fibrosin like 1; plus strand). Cytogenetic location: 12q24.33.
Variant type: Insertion.
Coding change: c.205_206insCCGCGCCGCGCGTCCCCCGCGCC on transcript NM_001367871.1 (MANE Select); coding-DNA positions 205 to 206, CCGCGCCGCGCGTCCCCCGCGCC inserted.
Protein change: p.Arg69fs; shifts the reading frame from arginine 69.
Molecular consequence: frameshift variant. On other transcripts: non-coding transcript variant (1).
Genome position: GRCh38 VCF-style: chr12-132490757-A-ACCGCGCGTCCCCCGCGCCCCGCG. GRCh37 (hg19) VCF-style: chr12-133067343-A-ACCGCGCGTCCCCCGCGCCCCGCG.
Other names: c.205_206insCCGCGCCGCGCGTCCCCCGCGCC, p.Arg69fs (NM_001142641.2, NM_001382739.1, NM_001382740.1 and 2 more transcripts); short protein forms R69fs.
Identifiers: ClinVar variation 4538850 (VCV004538850.2).
Genomic context (GRCh38, chr12:132,490,757, plus strand): 5'-GGCAAGGAGAACGCGGGCCTCCGCGGCGCGCCCCCCCGAGGCGCCGCCCCCGCGCCCCGC[A>ACCGCGCGTCCCCCGCGCCCCGCG]CCGCGCGTCCCCCGCGCCGCCGCCGCCGCGAGTCCAGCTCGCAGGAGGAGGAGGTCATCG-3'

ClinVar aggregate classification (germline): Uncertain significance (1 of 4 stars; one submission).

Submission:

GeneDx
Classification: Uncertain significance. Last evaluated: 2026-08-22. Review status: criteria provided, single submitter. Criteria: GeneDx Variant Classification Process June 2021. Collection method: clinical testing. Allele origin: germline.
Comment: Not observed at significant frequency in large population cohorts (gnomAD); Frameshift variant predicted to result in protein truncation or nonsense mediated decay in a gene or region of a gene for which loss of function is not a well-established mechanism of disease; Has not been previously published as pathogenic or benign to our knowledge